The following is an entry in ClinVar:

ClinVar aggregate classification (germline): Likely benign (0 of 4 stars; one submission).

Conditions:
CENPE-related disorder. Also called: CENPE-related condition.

Allele frequency attached by ClinVar (database versions not stated): TOPMed 0.00006.
gnomAD v4.1: 75 of 1,584,632 alleles (0.0047%); highest among the groups gnomAD compares: East Asian, 0.034%; no homozygotes.

Submission:

PreventionGenetics, part of Exact Sciences
Classification: Likely benign for CENPE-related condition. Last evaluated: 2019-04-12. Review status: no assertion criteria provided. Collection method: clinical testing. Allele origin: germline.
Comment: This variant is classified as likely benign based on ACMG/AMP sequence variant interpretation guidelines (Richards et al. 2015 PMID: 25741868, with internal and published modifications).

NM_001813.3(CENPE):c.4134+10G>A

Gene: CENPE (centromere protein E; minus strand). Cytogenetic location: 4q24.
Variant type: single nucleotide variant.
Coding change: c.4134+10G>A on transcript NM_001813.3 (MANE Select); 10 bases into the intron after coding-DNA position 4134, G replaced by A.
Molecular consequence: intron variant.
Genome position (GRCh38, 1-based): chr4:103,147,346, C>T on the plus strand (G>A on the coding strand, the complement: CENPE is on the minus strand). VCF-style: chr4-103147346-C-T. GRCh37 (hg19) VCF-style: chr4-104068503-C-T.
Other names: c.4059+10G>A (NM_001286734.2).
Identifiers: ClinVar variation 3058422 (VCV003058422.2), dbSNP rs551486783, ClinGen allele CA3029902.
Genomic context (GRCh38, chr4:103,147,346, plus strand): 5'-CTATAACACAAACACAAGCCTTGATTCTTATAAGACACTTGTTAAAATGGGAGGAAAATA[C>T]GAAACTTACTTTAGCCAAAGTTTCTCTAATATGTTCTTTCAGCTGGTCATGTTTAACTTC-3'